The following is an entry in ClinVar:

NM_021009.7(UBC):c.1638T>C (p.Thr546=)

Gene: UBC (ubiquitin C; minus strand). Cytogenetic location: 12q24.31.
Variant type: single nucleotide variant.
Coding change: c.1638T>C on transcript NM_021009.7 (MANE Select); coding-DNA position 1638, T replaced by C.
Protein change: p.Thr546=; no amino-acid change (threonine 546 retained).
Molecular consequence: synonymous variant.
Genome position (GRCh38, 1-based): chr12:124,912,134, A>G on the plus strand (T>C on the coding strand, the complement: UBC is on the minus strand). VCF-style: chr12-124912134-A-G. GRCh37 (hg19) VCF-style: chr12-125396680-A-G.
Identifiers: ClinVar variation 3770733 (VCV003770733.13).
Genomic context (GRCh38, chr12:124,912,134, plus strand): 5'-TTCCTTGTCTTGGATCTTTGCCTTGACATTCTCAATGGTGTCACTCGGCTCCACTTCGAG[A>G]GTGATGGTCTTACCAGTCAGGGTCTTCACGAAGATCTGCATCCCACCTCTAAGACGGAGC-3'
Protein context (NP_066289.3, residues 536-556): FVKTLTGKTI[Thr546=]LEVEPSDTIE

ClinVar aggregate classification (germline): Likely benign (1 of 4 stars; one submission).

gnomAD v4.1: 406 of 865,638 alleles (0.047%); highest among the groups gnomAD compares: Non-Finnish European, 0.03%; no homozygotes.

Submission:

CeGaT Center for Human Genetics Tuebingen
Classification: Likely benign. Last evaluated: 2025-02-01. Review status: criteria provided, single submitter. Criteria: CeGaT Center For Human Genetics Tuebingen Variant Classification Criteria Version 2. Collection method: clinical testing. Allele origin: germline. Affected: yes. Observed: 2 variant alleles.
Comment: UBC: BP4, BP7